The following is an entry in ClinVar:

ClinVar aggregate classification (germline): Uncertain significance. Review status: criteria provided, single submitter (1 of 4 stars). 2 submissions from 2 submitters: Uncertain significance (1). 1 of the submissions does not count toward it. Last evaluated 2025-07-22.

Conditions:
Autoimmune interstitial lung disease-arthritis syndrome. Also called: Autoinflammation and autoimmunity, systemic, with immune dysregulation. Identifiers: Orphanet 444092, MedGen C5975714, MONDO:0014629.

Allele frequency attached by ClinVar (database versions not stated): ExAC 0.00002; gnomAD 0.00002; gnomAD exomes 0.00002; TOPMed 0.00002.
gnomAD v4.1: 28 of 1,613,936 alleles (0.0017%); highest among the groups gnomAD compares: Non-Finnish European, 0.0021%; no homozygotes.

Submissions (2):

Labcorp Genetics (formerly Invitae), Labcorp
Classification: Uncertain significance for Autoimmune interstitial lung disease-arthritis syndrome. Last evaluated: 2025-07-22. Review status: criteria provided, single submitter. Criteria: Invitae Variant Classification Sherloc (09022015). Collection method: clinical testing. Allele origin: germline.
Comment: This sequence change replaces arginine, which is basic and polar, with cysteine, which is neutral and slightly polar, at codon 1058 of the COPA protein (p.Arg1058Cys). This variant is present in population databases (rs772182530, gnomAD 0.004%). This missense change has been observed in individual(s) with clinical features of COPA-related conditions (PMID: 38175705). ClinVar contains an entry for this variant (Variation ID: 1055987). Invitae Evidence Modeling of protein sequence and biophysical properties (such as structural, functional, and spatial information, amino acid conservation, physicochemical variation, residue mobility, and thermodynamic stability) has been performed for this missense variant. However, the output from this modeling did not meet the statistical confidence thresholds required to predict the impact of this variant on COPA protein function. Experimental studies are conflicting or provide insufficient evidence to determine the effect of this variant on COPA function (PMID: 38175705). In summary, the available evidence is currently insufficient to determine the role of this variant in disease. Therefore, it has been classified as a Variant of Uncertain Significance.

OMIM
Classification: Pathogenic for AUTOINFLAMMATION AND AUTOIMMUNITY, SYSTEMIC, WITH IMMUNE DYSREGULATION 1. Last evaluated: 2025-11-13. Review status: no assertion criteria provided. Collection method: literature only. Allele origin: germline. Not counted in ClinVar's aggregate classification.

Literature cited by the submitters: PubMed 38175705 (cited by Labcorp Genetics (formerly Invitae), Labcorp and OMIM).

NM_004371.4(COPA):c.3172C>T (p.Arg1058Cys)

Gene: COPA (coat protein complex I subunit alpha; minus strand). Cytogenetic location: 1q23.2.
Variant type: single nucleotide variant.
Coding change: c.3172C>T on transcript NM_004371.4 (MANE Select); coding-DNA position 3172, C replaced by T.
Protein change: p.Arg1058Cys; replaces arginine 1058 with cysteine.
Molecular consequence: missense variant.
Genome position (GRCh38, 1-based): chr1:160,291,905, G>A on the plus strand (C>T on the coding strand, the complement: COPA is on the minus strand). VCF-style: chr1-160291905-G-A. GRCh37 (hg19) VCF-style: chr1-160261695-G-A.
Other names: COPA, ARG1058CYS (rs772182530); c.3199C>T, p.Arg1067Cys (NM_001098398.2); short protein forms R1058C, R1067C.
Identifiers: ClinVar variation 1055987 (VCV001055987.10), dbSNP rs772182530, ClinGen allele CA1197678.